The following is an entry in ClinVar:

ClinVar aggregate classification (germline): Uncertain significance. Review status: criteria provided, multiple submitters, no conflicts (2 of 4 stars). 2 submissions from 2 submitters: Uncertain significance (2). Last evaluated 2025-11-08.

Conditions:
Brugada syndrome. Also called: Sudden Unexplained Death Syndrome; Sudden Unexplained Nocturnal Death Syndrome (SUNDS); Sudden unexpected nocturnal death syndrome; Sudden unexplained nocturnal death syndrome. Identifiers: Orphanet 130, MedGen C1142166, MONDO:0015263.
Cardiovascular phenotype. Identifiers: MedGen CN230736.

Allele frequency attached by ClinVar (database versions not stated): ExAC 0.00002.
gnomAD v4.1: 8 of 1,614,174 alleles (0.0005%); highest among the groups gnomAD compares: Non-Finnish European, 0.00051%; no homozygotes.

Submissions (2):

Labcorp Genetics (formerly Invitae), Labcorp
Classification: Uncertain significance for Brugada syndrome. Last evaluated: 2025-11-08. Review status: criteria provided, single submitter. Criteria: Invitae Variant Classification Sherloc (09022015). Collection method: clinical testing. Allele origin: germline.
Comment: This sequence change replaces valine, which is neutral and non-polar, with phenylalanine, which is neutral and non-polar, at codon 1895 of the SCN10A protein (p.Val1895Phe). This variant is present in population databases (rs745954161, gnomAD 0.003%). This variant has not been reported in the literature in individuals affected with SCN10A-related conditions. ClinVar contains an entry for this variant (Variation ID: 1749042). Invitae Evidence Modeling of protein sequence and biophysical properties (such as structural, functional, and spatial information, amino acid conservation, physicochemical variation, residue mobility, and thermodynamic stability) indicates that this missense variant is not expected to disrupt SCN10A protein function with a negative predictive value of 95%. In summary, the available evidence is currently insufficient to determine the role of this variant in disease. Therefore, it has been classified as a Variant of Uncertain Significance.

Ambry Genetics
Classification: Uncertain significance for Cardiovascular phenotype. Last evaluated: 2019-09-25. Review status: criteria provided, single submitter. Criteria: Ambry Variant Classification Scheme 2023. Collection method: clinical testing. Allele origin: germline.
Comment: The p.V1895F variant (also known as c.5683G>T), located in coding exon 27 of the SCN10A gene, results from a G to T substitution at nucleotide position 5683. The valine at codon 1895 is replaced by phenylalanine, an amino acid with highly similar properties. This amino acid position is not well conserved in available vertebrate species. In addition, the in silico prediction for this alteration is inconclusive. Since supporting evidence is limited at this time, the clinical significance of this alteration remains unclear.

NM_006514.4(SCN10A):c.5683G>T (p.Val1895Phe)

Gene: SCN10A (sodium voltage-gated channel alpha subunit 10; minus strand). Cytogenetic location: 3p22.2.
Variant type: single nucleotide variant.
Coding change: c.5683G>T on transcript NM_006514.4 (MANE Select); coding-DNA position 5683, G replaced by T.
Protein change: p.Val1895Phe; replaces valine 1895 with phenylalanine.
Molecular consequence: missense variant.
Genome position (GRCh38, 1-based): chr3:38,697,537, C>A on the plus strand (G>T on the coding strand, the complement: SCN10A is on the minus strand). VCF-style: chr3-38697537-C-A. GRCh37 (hg19) VCF-style: chr3-38739028-C-A.
Other names: c.5680G>T, p.Val1894Phe (NM_001293306.2); c.5389G>T, p.Val1797Phe (NM_001293307.2); short protein forms V1895F, V1894F, V1797F.
Identifiers: ClinVar variation 1749042 (VCV001749042.3), dbSNP rs745954161, ClinGen allele CA2319624.
Genomic context (GRCh38, chr3:38,697,537, plus strand): 5'-TGGCAGAAGCAGTTTCAGATTTGTCTGGGAGTACACAATTTTCATTTGCTGTGAATGCAA[C>A]AAAACCTTCATCTGGGAGTGATGCAGCCTCCTCCTCAGCTCTGGGCACACATGGGGTGTT-3'
Protein context (NP_006505.4, residues 1885-1905): EAASLPDEGF[Val1895Phe]AFTANENCVL